The following is an entry in ClinVar:

NM_001365951.3(KIF1B):c.4865C>G (p.Ser1622Cys)

Gene: KIF1B (kinesin family member 1B; plus strand). Cytogenetic location: 1p36.22.
Variant type: single nucleotide variant.
Coding change: c.4865C>G on transcript NM_001365951.3 (MANE Select); coding-DNA position 4865, C replaced by G.
Protein change: p.Ser1622Cys; replaces serine 1622 with cysteine.
Molecular consequence: missense variant.
Genome position (GRCh38, 1-based): chr1:10,371,181, C>G. VCF-style: chr1-10371181-C-G. GRCh37 (hg19) VCF-style: chr1-10431239-C-G.
Other names: c.4865C>G, p.Ser1622Cys (NM_001365952.1); c.4727C>G, p.Ser1576Cys (NM_015074.3); short protein forms S1622C, S1576C.
Identifiers: ClinVar variation 3533999 (VCV003533999.3).

ClinVar aggregate classification (germline): Uncertain significance. Review status: criteria provided, multiple submitters, no conflicts (2 of 4 stars). 2 submissions from 2 submitters: Uncertain significance (2). Last evaluated 2024-09-01.

Conditions:
Charcot-Marie-Tooth disease type 2. Also called: Charcot-Marie-Tooth type 2. Identifiers: Orphanet 64746, MedGen C0270914, MONDO:0018993.

gnomAD v4.1: 1 of 1,614,104 alleles (0.000062%); highest among the groups gnomAD compares: Non-Finnish European, 0.000085%; no homozygotes.

Submissions (2):

Ambry Genetics
Classification: Uncertain significance. Last evaluated: 2024-09-01. Review status: criteria provided, single submitter. Criteria: Ambry Variant Classification Scheme 2023. Collection method: clinical testing. Allele origin: germline.
Comment: The p.S1576C variant (also known as c.4727C>G), located in coding exon 42 of the KIF1B gene, results from a C to G substitution at nucleotide position 4727. The serine at codon 1576 is replaced by cysteine, an amino acid with dissimilar properties. This amino acid position is conserved. In addition, this alteration is predicted to be tolerated by in silico analysis. Based on the available evidence, the clinical significance of this variant remains unclear.

Labcorp Genetics (formerly Invitae), Labcorp
Classification: Uncertain significance for Charcot-Marie-Tooth disease type 2. Last evaluated: 2024-05-21. Review status: criteria provided, single submitter. Criteria: Invitae Variant Classification Sherloc (09022015). Collection method: clinical testing. Allele origin: germline.
Comment: This sequence change replaces serine, which is neutral and polar, with cysteine, which is neutral and slightly polar, at codon 1576 of the KIF1B protein (p.Ser1576Cys). This variant is not present in population databases (gnomAD no frequency). This variant has not been reported in the literature in individuals affected with KIF1B-related conditions. An algorithm developed to predict the effect of missense changes on protein structure and function (PolyPhen-2) suggests that this variant is likely to be disruptive. In summary, the available evidence is currently insufficient to determine the role of this variant in disease. Therefore, it has been classified as a Variant of Uncertain Significance.